The following is an entry in ClinVar:

ClinVar aggregate classification (germline): Pathogenic. Review status: criteria provided, multiple submitters, no conflicts (2 of 4 stars). 2 submissions from 2 submitters: Pathogenic (2). Last evaluated 2020-09-16.

Conditions:
Hereditary nonpolyposis colorectal neoplasms. Identifiers: MedGen C0009405, MeSH D003123.
Hereditary cancer-predisposing syndrome. Also called: Tumor predisposition; Hereditary neoplastic syndrome; Neoplastic Syndromes, Hereditary; Hereditary Cancer Syndrome. Identifiers: Orphanet 140162, MedGen C0027672, MeSH D009386, MONDO:0015356.

Submissions (2):

Labcorp Genetics (formerly Invitae), Labcorp
Classification: Pathogenic for Hereditary nonpolyposis colorectal neoplasms. Last evaluated: 2020-09-16. Review status: criteria provided, single submitter. Criteria: Invitae Variant Classification Sherloc (09022015). Collection method: clinical testing. Allele origin: germline.
Comment: For these reasons, this variant has been classified as Pathogenic. This sequence change creates a premature translational stop signal (p.Glu1237Aspfs*37) in the MSH6 gene. It is expected to result in an absent or disrupted protein product. This variant is not present in population databases (ExAC no frequency). This variant has not been reported in the literature in individuals with MSH6-related conditions. Loss-of-function variants in MSH6 are known to be pathogenic (PMID: 18269114, 24362816).

Ambry Genetics
Classification: Pathogenic for Hereditary cancer-predisposing syndrome. Last evaluated: 2020-06-30. Review status: criteria provided, single submitter. Criteria: Ambry Variant Classification Scheme 2023. Collection method: clinical testing. Allele origin: germline.
Comment: The c.3711_3712delGA pathogenic mutation, located in coding exon 8 of the MSH6 gene, results from a deletion of two nucleotides at nucleotide positions 3711 to 3712, causing a translational frameshift with a predicted alternate stop codon (p.E1237Dfs*37). This alteration is expected to result in loss of function by premature protein truncation or nonsense-mediated mRNA decay. As such, this alteration is interpreted as a disease-causing mutation.

Literature cited by the submitters: PubMed 18269114 (cited by Labcorp Genetics (formerly Invitae), Labcorp); PubMed 24362816 (cited by Labcorp Genetics (formerly Invitae), Labcorp).

NM_000179.3(MSH6):c.3711_3712del (p.Glu1237fs)

Gene: MSH6 (mutS homolog 6; plus strand). Cytogenetic location: 2p16.3.
Variant type: Microsatellite.
Coding change: c.3711_3712del on transcript NM_000179.3 (MANE Select); coding-DNA positions 3711 to 3712, 2 bases deleted (GA; older notation c.3711_3712delGA).
Protein change: p.Glu1237fs; shifts the reading frame from glutamic acid 1237.
Molecular consequence: frameshift variant.
Genome position (GRCh38, 1-based): chr2:47,806,268-47,806,269, GA deleted; deleting any 2 consecutive bases within chr2:47,806,266-47,806,269 gives the same sequence; the c. name uses the placement nearest the transcript's 3' end. VCF-style (leftmost placement, unchanged base first): chr2-47806265-TGA-T. GRCh37 (hg19) VCF-style: chr2-48033404-TGA-T.
Other names: c.3321_3322del, p.Glu1107fs (NM_001281492.2); c.2805_2806del, p.Glu935fs (NM_001281493.2, NM_001281494.2); short protein forms E1107fs, E1237fs, E935fs.
Identifiers: ClinVar variation 1071487 (VCV001071487.9), dbSNP rs2104540758, ClinGen allele CA2580611308.